The following is an entry in ClinVar:

NM_001371596.2(MFSD8):c.1267G>C (p.Ala423Pro)

Gene: MFSD8 (major facilitator superfamily domain containing 8; minus strand). Cytogenetic location: 4q28.2.
Variant type: single nucleotide variant.
Coding change: c.1267G>C on transcript NM_001371596.2 (MANE Select); coding-DNA position 1267, G replaced by C.
Protein change: p.Ala423Pro; replaces alanine 423 with proline.
Molecular consequence: missense variant.
Genome position (GRCh38, 1-based): chr4:127,921,607, C>G on the plus strand (G>C on the coding strand, the complement: MFSD8 is on the minus strand). VCF-style: chr4-127921607-C-G. GRCh37 (hg19) VCF-style: chr4-128842762-C-G.
Other names: c.1066G>C, p.Ala356Pro (NM_001363520.3); c.952G>C, p.Ala318Pro (NM_001363521.3); c.1132G>C, p.Ala378Pro (NM_001371590.2); c.1267G>C, p.Ala423Pro (NM_001371591.2, NM_152778.4); c.1273G>C, p.Ala425Pro (NM_001371592.2); c.1153G>C, p.Ala385Pro (NM_001371593.2); c.1120G>C, p.Ala374Pro (NM_001371594.2); c.985G>C, p.Ala329Pro (NM_001371595.1); and 2 more; short protein forms A425P, A329P, A356P, A423P, A318P, A374P, A385P, A273P.
Identifiers: ClinVar variation 1978234 (VCV001978234.4), dbSNP rs1200446199, ClinGen allele CA358171134.
Genomic context (GRCh38, chr4:127,921,607, plus strand): 5'-TTGAATATAGAGTATAGGACATAAGATTGCAGACTGGATAGCCTAATCCTATTAGCACAG[C>G]TGATGTAAGGAACTGGGCCAGATGAATCACCGGGGTGTAGAGGCACCAGGCTTGTTCAAT-3'
Protein context (NP_001358525.1, residues 413-433): VIHLAQFLTS[Ala423Pro]VLIGLGYPVC

ClinVar aggregate classification (germline): Uncertain significance (1 of 4 stars; one submission).

Conditions:
Neuronal ceroid lipofuscinosis 7 (CLN7). Also called: MFSD8-Related Neuronal Ceroid-Lipofuscinosis. Identifiers: Orphanet 168491, Orphanet 228366, MedGen C1838571, MONDO:0012588, OMIM 610951.

Allele frequency attached by ClinVar (database versions not stated): gnomAD exomes 0.00001; gnomAD 0.00005; TOPMed 0.00006.
gnomAD v4.1: 12 of 1,614,042 alleles (0.00074%); highest among the groups gnomAD compares: Admixed American, 0.02%; no homozygotes.

Submission:

Labcorp Genetics (formerly Invitae), Labcorp
Classification: Uncertain significance for Neuronal ceroid lipofuscinosis 7. Last evaluated: 2024-11-05. Review status: criteria provided, single submitter. Criteria: Invitae Variant Classification Sherloc (09022015). Collection method: clinical testing. Allele origin: germline.
Comment: This sequence change replaces alanine, which is neutral and non-polar, with proline, which is neutral and non-polar, at codon 423 of the MFSD8 protein (p.Ala423Pro). This variant is present in population databases (no rsID available, gnomAD 0.01%). This variant has not been reported in the literature in individuals affected with MFSD8-related conditions. ClinVar contains an entry for this variant (Variation ID: 1978234). Invitae Evidence Modeling of protein sequence and biophysical properties (such as structural, functional, and spatial information, amino acid conservation, physicochemical variation, residue mobility, and thermodynamic stability) indicates that this missense variant is not expected to disrupt MFSD8 protein function with a negative predictive value of 80%. In summary, the available evidence is currently insufficient to determine the role of this variant in disease. Therefore, it has been classified as a Variant of Uncertain Significance.